The following is an entry in ClinVar:

NM_001845.6(COL4A1):c.4434C>T (p.Gly1478=)

Gene: COL4A1 (collagen type IV alpha 1 chain; minus strand). Cytogenetic location: 13q34.
Variant type: single nucleotide variant.
Coding change: c.4434C>T on transcript NM_001845.6 (MANE Select); coding-DNA position 4434, C replaced by T.
Protein change: p.Gly1478=; no amino-acid change (glycine 1478 retained).
Molecular consequence: synonymous variant.
Genome position (GRCh38, 1-based): chr13:110,162,258, G>A on the plus strand (C>T on the coding strand, the complement: COL4A1 is on the minus strand). VCF-style: chr13-110162258-G-A. GRCh37 (hg19) VCF-style: chr13-110814605-G-A.
Identifiers: ClinVar variation 1327679 (VCV001327679.3), dbSNP rs1877121184, ClinGen allele CA484788276.

ClinVar aggregate classification (germline): Uncertain significance. Review status: criteria provided, multiple submitters, no conflicts (2 of 4 stars). 2 submissions from 2 submitters: Uncertain significance (2). Last evaluated 2021-06-08.

Submissions (2):

GeneDx
Classification: Uncertain significance. Last evaluated: 2021-06-08. Review status: criteria provided, single submitter. Criteria: GeneDx Variant Classification Process June 2021. Collection method: clinical testing. Allele origin: germline. Affected: yes.
Comment: Not observed at significant frequency in large population cohorts (Lek et al., 2016); In silico analysis supports a deleterious effect on splicing; Has not been previously published as pathogenic or benign to our knowledge; This variant is associated with the following publications: (PMID: 27535533)

Blueprint Genetics
Classification: Uncertain significance. Last evaluated: 2020-07-17. Review status: criteria provided, single submitter. Criteria: ACMG Guidelines, 2015. Collection method: clinical testing. Allele origin: germline.